The following is an entry in ClinVar:

NM_007347.5(AP4E1):c.942_943+3delinsCC

Gene: AP4E1 (adaptor related protein complex 4 subunit epsilon 1; plus strand). Cytogenetic location: 15q21.2.
Variant type: Indel.
Coding change: c.942_943+3delinsCC on transcript NM_007347.5 (MANE Select); coding-DNA position 942 through 3 bases into the intron after coding-DNA position 943, TGGTA replaced by CC.
Molecular consequence: splice donor variant.
Genome position (GRCh38, 1-based): chr15:50,934,696-50,934,700, TGGTA replaced by CC. VCF-style: chr15-50934696-TGGTA-CC. GRCh37 (hg19) VCF-style: chr15-51226893-TGGTA-CC.
Other names: c.717_718+3delinsCC (NM_001252127.2).
Identifiers: ClinVar variation 1064645 (VCV001064645.5), dbSNP rs2141164878, ClinGen allele CA2499223022.

ClinVar aggregate classification (germline): Pathogenic/Likely pathogenic. Review status: criteria provided, multiple submitters, no conflicts (2 of 4 stars). 2 submissions from 2 submitters: Pathogenic (1); Likely pathogenic (1). Last evaluated 2024-06-03.

Conditions:
Spastic paraplegia. Identifiers: MedGen C0037772, HP:0001258.
Hereditary spastic paraplegia 51. Also called: Spastic paraplegia 51, autosomal recessive; CEREBRAL PALSY, SPASTIC QUADRIPLEGIC, 4. Identifiers: Orphanet 280763, MedGen C3151056, MONDO:0013401, OMIM 613744.

Submissions (2):

Labcorp Genetics (formerly Invitae), Labcorp
Classification: Likely pathogenic for Spastic paraplegia. Last evaluated: 2024-06-03. Review status: criteria provided, single submitter. Criteria: Invitae Variant Classification Sherloc (09022015). Collection method: clinical testing. Allele origin: germline.
Comment: This variant results in the deletion of part of exon 8 (c.942_943+3delinsCC) of the AP4E1 gene. It is expected to disrupt RNA splicing. Variants that disrupt the donor or acceptor splice site typically lead to a loss of protein function (PMID: 16199547), and loss-of-function variants in AP4E1 are known to be pathogenic (PMID: 21620353, 21937992, 23472171). Information on the frequency of this variant in the gnomAD database is not available, as this variant may be reported differently in the database. This variant has not been reported in the literature in individuals affected with AP4E1-related conditions. In summary, the currently available evidence indicates that the variant is pathogenic, but additional data are needed to prove that conclusively. Therefore, this variant has been classified as Likely Pathogenic.

MedGen Diagnostic Laboratory, MedGen Medical Centre
Classification: Pathogenic for Hereditary spastic paraplegia 51. Last evaluated: 2021-04-20. Review status: criteria provided, single submitter. Criteria: ACMG Guidelines, 2015. Collection method: case-control. Allele origin: germline. Inheritance: Autosomal recessive inheritance. Affected: yes. Observed: 2 variant alleles, 2 homozygotes.
Comment: The variant has been detected in both alleles, in two sick (of four) siblings, displaying significant psychomotor retardation, intellectual disability and paraplegia. The other two siblings where healthy, one being heterozygous for this variant and one being wild type. Heterozygous parents where healthy. The variant is novel and has been evaluated as pathogenic. It is located in the terminus of the exon 8 and spans for two coding and three intronic nucleotides including splicing donor site. The effect on protein level is unknown. Bioinformatic analysis using Alamut Software predicts that new donor site appears and results in frameshift mutation introducing premature termination codon after three nucleotides . It is also possible that the mutation may affect the splicing process (not examined in this study). In summary, the c.942-943+3delinsCC variant meets our criteria to be classified as pathogenic based upon predicted effect on protein, absence from controls, and segregation studies.

Literature cited by the submitters: PubMed 16199547 (cited by Labcorp Genetics (formerly Invitae), Labcorp); PubMed 21620353 (cited by Labcorp Genetics (formerly Invitae), Labcorp); PubMed 21937992 (cited by Labcorp Genetics (formerly Invitae), Labcorp); PubMed 23472171 (cited by Labcorp Genetics (formerly Invitae), Labcorp).